The following is an entry in ClinVar:

NM_001148.6(ANK2):c.793-3T>C

Gene: ANK2 (ankyrin 2; plus strand). Cytogenetic location: 4q26.
Variant type: single nucleotide variant.
Coding change: c.793-3T>C on transcript NM_001148.6 (MANE Select); 3 bases into the intron before coding-DNA position 793, T replaced by C.
Molecular consequence: intron variant.
Genome position (GRCh38, 1-based): chr4:113,242,108, T>C. VCF-style: chr4-113242108-T-C. GRCh37 (hg19) VCF-style: chr4-114163264-T-C.
Other names: c.781-3T>C (NM_001386186.2, NM_001386148.2, NM_001354269.3); c.757-3T>C (NM_001386187.2); c.751-3T>C (NM_001386147.1, NM_001386160.1, NM_001354261.2); c.730-3T>C (NM_001354254.2, NM_001354239.2, NM_001354252.2 and 14 more transcripts); c.706-3T>C (NM_001354249.2, NM_001354266.2, NM_001354276.2 and 16 more transcripts); c.838-3T>C (NM_001354241.2, NM_001386152.1, NM_001354237.2 and 5 more transcripts); c.793-3T>C (NM_001354225.2, NM_001354235.2, NM_001354246.2 and 9 more transcripts); c.844-3T>C (NM_001386174.1); and 1 more.
Identifiers: ClinVar variation 4733588 (VCV004733588.1).

ClinVar aggregate classification (germline): Uncertain significance (1 of 4 stars; one submission).

Conditions:
Long QT syndrome (LQTS). Identifiers: MedGen C0023976, MeSH D008133, MONDO:0002442. Disease mechanism: loss of function. Inheritance: Various modes of inheritance.

gnomAD v4.1: 2 of 1,612,242 alleles (0.00012%); highest among the groups gnomAD compares: Non-Finnish European, 0.000085%; no homozygotes.

Submission:

Labcorp Genetics (formerly Invitae), Labcorp
Classification: Uncertain significance for Long QT syndrome. Last evaluated: 2026-01-28. Review status: criteria provided, single submitter. Criteria: Invitae Variant Classification Sherloc (09022015). Collection method: clinical testing. Allele origin: germline.
Comment: This sequence change falls in intron 8 of the ANK2 gene. It does not directly change the encoded amino acid sequence of the ANK2 protein. It affects a nucleotide within the consensus splice site. This variant is not present in population databases (gnomAD no frequency). This variant has not been reported in the literature in individuals affected with ANK2-related conditions. Variants that disrupt the consensus splice site are a relatively common cause of aberrant splicing (PMID: 17576681, 9536098). Algorithms developed to predict the effect of sequence changes on RNA splicing suggest that this variant is not likely to affect RNA splicing. In summary, the available evidence is currently insufficient to determine the role of this variant in disease. Therefore, it has been classified as a Variant of Uncertain Significance.

Literature cited by the submitters: PubMed 17576681; PubMed 9536098.